The following is an entry in ClinVar:

ClinVar aggregate classification (germline): Uncertain significance (1 of 4 stars; one submission).

Submission:

GeneDx
Classification: Uncertain significance. Last evaluated: 2024-05-06. Review status: criteria provided, single submitter. Criteria: GeneDx Variant Classification Process June 2021. Collection method: clinical testing. Allele origin: germline. Affected: yes.
Comment: Not observed at significant frequency in large population cohorts (gnomAD); In silico analysis indicates that this missense variant does not alter protein structure/function; Has not been previously published as pathogenic or benign to our knowledge

NM_014855.3(AP5Z1):c.2408G>A (p.Gly803Asp)

Gene: AP5Z1 (adaptor related protein complex 5 subunit zeta 1; plus strand). Cytogenetic location: 7p22.1.
Variant type: single nucleotide variant.
Coding change: c.2408G>A on transcript NM_014855.3 (MANE Select); coding-DNA position 2408, G replaced by A.
Protein change: p.Gly803Asp; replaces glycine 803 with aspartic acid.
Molecular consequence: missense variant. On other transcripts: non-coding transcript variant (1).
Genome position (GRCh38, 1-based): chr7:4,791,369, G>A. VCF-style: chr7-4791369-G-A. GRCh37 (hg19) VCF-style: chr7-4831000-G-A.
Other names: c.1940G>A, p.Gly647Asp (NM_001364858.1); short protein forms G647D, G803D.
Identifiers: ClinVar variation 3376115 (VCV003376115.1).